The following is an entry in ClinVar:

ClinVar aggregate classification (germline): Uncertain significance. Review status: criteria provided, multiple submitters, no conflicts (2 of 4 stars). 2 submissions from 2 submitters: Uncertain significance (2). Last evaluated 2024-07-23.

Conditions:
DICER1-related tumor predisposition. Also called: DICER1-related pleuropulmonary blastoma cancer predisposition syndrome; DICER1 syndrome. Identifiers: Orphanet 284343, MedGen C3839822, MONDO:0100216.

Submissions (2):

Revvity Omics, Revvity
Classification: Uncertain significance. Last evaluated: 2024-07-23. Review status: criteria provided, single submitter. Criteria: ACMG Guidelines, 2015. Collection method: clinical testing. Allele origin: germline.

Labcorp Genetics (formerly Invitae), Labcorp
Classification: Uncertain significance for DICER1-related tumor predisposition. Last evaluated: 2024-05-29. Review status: criteria provided, single submitter. Criteria: Invitae Variant Classification Sherloc (09022015). Collection method: clinical testing. Allele origin: germline.
Comment: This sequence change replaces leucine, which is neutral and non-polar, with isoleucine, which is neutral and non-polar, at codon 1184 of the DICER1 protein (p.Leu1184Ile). This variant is not present in population databases (gnomAD no frequency). This variant has not been reported in the literature in individuals affected with DICER1-related conditions. ClinVar contains an entry for this variant (Variation ID: 1896050). Advanced modeling of protein sequence and biophysical properties (such as structural, functional, and spatial information, amino acid conservation, physicochemical variation, residue mobility, and thermodynamic stability) performed at Invitae indicates that this missense variant is not expected to disrupt DICER1 protein function with a negative predictive value of 80%. In summary, the available evidence is currently insufficient to determine the role of this variant in disease. Therefore, it has been classified as a Variant of Uncertain Significance.

NM_177438.3(DICER1):c.3550C>A (p.Leu1184Ile)

Gene: DICER1 (dicer 1, ribonuclease III; minus strand). Cytogenetic location: 14q32.13.
Variant type: single nucleotide variant.
Coding change: c.3550C>A on transcript NM_177438.3 (MANE Select); coding-DNA position 3550, C replaced by A.
Protein change: p.Leu1184Ile; replaces leucine 1184 with isoleucine.
Molecular consequence: missense variant. On other transcripts: non-coding transcript variant (6).
Genome position (GRCh38, 1-based): chr14:95,103,846, G>T on the plus strand (C>A on the coding strand, the complement: DICER1 is on the minus strand). VCF-style: chr14-95103846-G-T. GRCh37 (hg19) VCF-style: chr14-95570183-G-T.
Other names: c.3550C>A, p.Leu1184Ile (NM_001195573.1, NM_001271282.3, NM_001291628.2 and 13 more transcripts); c.3268C>A, p.Leu1090Ile (NM_001395686.1); c.3145C>A, p.Leu1049Ile (NM_001395687.1, NM_001395688.1, NM_001395689.1 and 2 more transcripts); c.2983C>A, p.Leu995Ile (NM_001395691.1); c.1867C>A, p.Leu623Ile (NM_001395697.1); short protein forms L1090I, L1049I, L1184I, L623I, L995I.
Identifiers: ClinVar variation 1896050 (VCV001896050.6), dbSNP rs2542708957, ClinGen allele CA390874974.
Genomic context (GRCh38, chr14:95,103,846, plus strand): 5'-AATTTAGCTGATTTCCTTGGCAAAAGTCTCTGTTAGCTAAATCATAACTGCCATTGGCGA[G>T]ATTTTGATTGTAAGAAAGACCATTAATTGCTGTAAGATCTGCTGAAACTTCAACGTGGAG-3'
Protein context (NP_803187.1, residues 1174-1194): AINGLSYNQN[Leu1184Ile]ANGSYDLANR